The following is an entry in ClinVar:

ClinVar aggregate classification (germline): Uncertain significance (1 of 4 stars; one submission).

Allele frequency attached by ClinVar (database versions not stated): gnomAD exomes below 0.00001.
gnomAD v4.1: 2 of 1,613,060 alleles (0.00012%); highest among the groups gnomAD compares: Non-Finnish European, 0.00017%; no homozygotes.

Submission:

Labcorp Genetics (formerly Invitae), Labcorp
Classification: Uncertain significance. Last evaluated: 2022-06-30. Review status: criteria provided, single submitter. Criteria: Invitae Variant Classification Sherloc (09022015). Collection method: clinical testing. Allele origin: germline.
Comment: This sequence change replaces alanine, which is neutral and non-polar, with threonine, which is neutral and polar, at codon 37 of the COL11A2 protein (p.Ala37Thr). This variant is present in population databases (no rsID available, gnomAD 0.0009%). This variant has not been reported in the literature in individuals affected with COL11A2-related conditions. Advanced modeling of protein sequence and biophysical properties (such as structural, functional, and spatial information, amino acid conservation, physicochemical variation, residue mobility, and thermodynamic stability) performed at Invitae indicates that this missense variant is not expected to disrupt COL11A2 protein function. This variant disrupts the p.Ala37 amino acid residue in COL11A2. Other variant(s) that disrupt this residue have been determined to be pathogenic (PMID: 25633957). This suggests that this residue is clinically significant, and that variants that disrupt this residue are likely to be disease-causing. In summary, the available evidence is currently insufficient to determine the role of this variant in disease. Therefore, it has been classified as a Variant of Uncertain Significance.

Literature cited by the submitters: PubMed 25633957.

NM_080680.3(COL11A2):c.109G>A (p.Ala37Thr)

Gene: COL11A2 (collagen type XI alpha 2 chain; minus strand). Cytogenetic location: 6p21.32.
Variant type: single nucleotide variant.
Coding change: c.109G>A on transcript NM_080680.3 (MANE Select); coding-DNA position 109, G replaced by A.
Protein change: p.Ala37Thr; replaces alanine 37 with threonine.
Molecular consequence: missense variant.
Genome position (GRCh38, 1-based): chr6:33,189,443, C>T on the plus strand (G>A on the coding strand, the complement: COL11A2 is on the minus strand). VCF-style: chr6-33189443-C-T. GRCh37 (hg19) VCF-style: chr6-33157220-C-T.
Other names: c.109G>A, p.Ala37Thr (NM_001163771.2, NM_080679.3, NM_080681.3); short protein forms A37T.
Identifiers: ClinVar variation 2003674 (VCV002003674.1), dbSNP rs606231410, ClinGen allele CA363613446.
Genomic context (GRCh38, chr6:33,189,443, plus strand): 5'-CAGCTGGACAGATGCCTTTCGCTCTCCGGACACCATCAGGGAGGGAGGGGAACCTCAGGG[C>T]CCGGAGCACATCCACAGGGGGTGCACCTGGGAGAGTCCATGATTATCAGGAGAAGGGACA-3'
Protein context (NP_542411.2, residues 27-47): AGAPPVDVLR[Ala37Thr]LRFPSLPDGV